The following is an entry in ClinVar:

ClinVar aggregate classification (germline): Likely benign (0 of 4 stars; one submission).

Conditions:
CFAP418-related disorder. Also called: CFAP418-related condition.

gnomAD v4.1: 1 of 1,614,222 alleles (0.000062%); highest among the groups gnomAD compares: Non-Finnish European, 0.000085%; no homozygotes.

Submission:

PreventionGenetics, part of Exact Sciences
Classification: Likely benign for CFAP418-related condition. Last evaluated: 2024-07-12. Review status: no assertion criteria provided. Collection method: clinical testing. Allele origin: germline.
Comment: This variant is classified as likely benign based on ACMG/AMP sequence variant interpretation guidelines (Richards et al. 2015 PMID: 25741868, with internal and published modifications).

NM_177965.4(CFAP418):c.612T>C (p.Cys204=)

Gene: CFAP418 (cilia and flagella associated protein 418; minus strand). Cytogenetic location: 8q22.1.
Variant type: single nucleotide variant.
Coding change: c.612T>C on transcript NM_177965.4 (MANE Select); coding-DNA position 612, T replaced by C.
Protein change: p.Cys204=; no amino-acid change (cysteine 204 retained).
Molecular consequence: synonymous variant.
Genome position (GRCh38, 1-based): chr8:95,247,629, A>G on the plus strand (T>C on the coding strand, the complement: CFAP418 is on the minus strand). VCF-style: chr8-95247629-A-G. GRCh37 (hg19) VCF-style: chr8-96259857-A-G.
Other names: c.516T>C, p.Cys172= (NM_001363260.1).
Identifiers: ClinVar variation 3357513 (VCV003357513.1).
Genomic context (GRCh38, chr8:95,247,629, plus strand): 5'-GGAGACCACTCTCATGGATGCATCTGTCCGAATGTGCAGTCTGCATTCTTAATGTTTACC[A>G]CAAACCCAGCGAAGCTGATGATCTGTCTGAAGGTCAGTCACTTCTTCAATAGTTCTCCAG-3'
Protein context (NP_808880.1, residues 194-207): LQTDHQLRWV[Cys204=]GKH